The following is an entry in ClinVar:

NM_207037.2(TCF12):c.505C>T (p.Leu169Phe)

Gene: TCF12 (transcription factor 12; plus strand). Cytogenetic location: 15q21.3.
Variant type: single nucleotide variant.
Coding change: c.505C>T on transcript NM_207037.2 (MANE Select); coding-DNA position 505, C replaced by T.
Protein change: p.Leu169Phe; replaces leucine 169 with phenylalanine.
Molecular consequence: missense variant. On other transcripts: 5 prime UTR variant (1).
Genome position (GRCh38, 1-based): chr15:57,192,272, C>T. VCF-style: chr15-57192272-C-T. GRCh37 (hg19) VCF-style: chr15-57484470-C-T.
Other names: c.505C>T, p.Leu169Phe (NM_001322151.2, NM_001322152.2, NM_001322157.3 and 7 more transcripts); c.-153C>T (NM_001322154.2); c.331C>T, p.Leu111Phe (NM_001322156.2, NM_001322158.2); c.541C>T, p.Leu181Phe (NM_001322164.2); short protein forms L111F, L169F, L181F.
Identifiers: ClinVar variation 3365672 (VCV003365672.1).

ClinVar aggregate classification (germline): Uncertain significance (1 of 4 stars; one submission).

Submission:

GeneDx
Classification: Uncertain significance. Last evaluated: 2023-12-16. Review status: criteria provided, single submitter. Criteria: GeneDx Variant Classification Process June 2021. Collection method: clinical testing. Allele origin: germline. Affected: yes.
Comment: Not observed at significant frequency in large population cohorts (gnomAD); In silico analysis supports that this missense variant does not alter protein structure/function; Has not been previously published as pathogenic or benign to our knowledge